The following is an entry in ClinVar:

NM_001166114.2(PNPLA6):c.2519G>C (p.Arg840Pro)

Gene: PNPLA6 (patatin like domain 6, lysophospholipase; plus strand). Cytogenetic location: 19p13.2.
Variant type: single nucleotide variant.
Coding change: c.2519G>C on transcript NM_001166114.2 (MANE Select); coding-DNA position 2519, G replaced by C.
Protein change: p.Arg840Pro; replaces arginine 840 with proline.
Molecular consequence: missense variant.
Genome position (GRCh38, 1-based): chr19:7,554,608, G>C. VCF-style: chr19-7554608-G-C. GRCh37 (hg19) VCF-style: chr19-7619494-G-C.
Other names: c.2549G>C, p.Arg850Pro (NM_001166111.2); c.2324G>C, p.Arg775Pro (NM_001166112.2); c.2405G>C, p.Arg802Pro (NM_001166113.1, NM_006702.5); short protein forms R850P, R775P, R802P, R840P.
Identifiers: ClinVar variation 2044021 (VCV002044021.4), dbSNP rs368814522, ClinGen allele CA9140139.

ClinVar aggregate classification (germline): Uncertain significance (1 of 4 stars; one submission).

Conditions:
Hereditary spastic paraplegia 39 (SPG39). Also called: Spastic Paraplegia Type 39 (SPG39); SPASTIC PARAPLEGIA 39, AUTOSOMAL RECESSIVE. Identifiers: Orphanet 139480, MedGen C2677586, MONDO:0012787, OMIM 612020.

Allele frequency attached by ClinVar (database versions not stated): ExAC 0.00001; gnomAD 0.00001; gnomAD exomes 0.00001; TOPMed 0.00001; ESP Exome Variant Server 0.00008.
gnomAD v4.1: 21 of 1,613,934 alleles (0.0013%); highest among the groups gnomAD compares: Admixed American, 0.0017%; no homozygotes.

Submission:

Labcorp Genetics (formerly Invitae), Labcorp
Classification: Uncertain significance for Hereditary spastic paraplegia 39. Last evaluated: 2022-06-19. Review status: criteria provided, single submitter. Criteria: Invitae Variant Classification Sherloc (09022015). Collection method: clinical testing. Allele origin: germline.
Comment: In summary, the available evidence is currently insufficient to determine the role of this variant in disease. Therefore, it has been classified as a Variant of Uncertain Significance. Algorithms developed to predict the effect of missense changes on protein structure and function (SIFT, PolyPhen-2, Align-GVGD) all suggest that this variant is likely to be tolerated. This variant has not been reported in the literature in individuals affected with PNPLA6-related conditions. This variant is present in population databases (rs368814522, gnomAD 0.0009%). This sequence change replaces arginine, which is basic and polar, with proline, which is neutral and non-polar, at codon 802 of the PNPLA6 protein (p.Arg802Pro).